The following is an entry in ClinVar:

NM_181523.3(PIK3R1):c.1126G>A (p.Gly376Arg)

Gene: PIK3R1 (phosphoinositide-3-kinase regulatory subunit 1; plus strand). Cytogenetic location: 5q13.1.
Variant type: single nucleotide variant.
Coding change: c.1126G>A on transcript NM_181523.3 (MANE Select); coding-DNA position 1126, G replaced by A.
Protein change: p.Gly376Arg; replaces glycine 376 with arginine.
Molecular consequence: missense variant.
Genome position (GRCh38, 1-based): chr5:68,293,310, G>A. VCF-style: chr5-68293310-G-A. GRCh37 (hg19) VCF-style: chr5-67589138-G-A.
Other names: c.37G>A, p.Gly13Arg (NM_001242466.2); c.316G>A, p.Gly106Arg (NM_181504.4); c.226G>A, p.Gly76Arg (NM_181524.2); short protein forms G376R, G106R, G13R, G76R.
Identifiers: ClinVar variation 376064 (VCV000376064.7), dbSNP rs1057519757, ClinGen allele CA16602526.

ClinVar aggregate classification (germline): Pathogenic (0 of 4 stars; one submission).
ClinVar aggregate classification (oncogenicity): Likely oncogenic (1 of 4 stars; one submission).

Conditions:
Vascular Malformations and Overgrowth.
Neoplasm. Also called: Neoplasms; Neoplasm (disease); tumor. Identifiers: MedGen C0027651, MeSH D009369, MONDO:0005070, HP:0002664.

Submissions (2):

Center for Genomic Medicine, Rigshospitalet, Copenhagen University Hospital
Classification: Likely oncogenic for Neoplasm. Last evaluated: 2025-03-04. Review status: criteria provided, single submitter. Criteria: ClinGen/CGC/VICC Guidelines for Oncogenicity, 2022. Collection method: clinical testing. Allele origin: somatic. Affected: yes.

Institute for Genomic Medicine (IGM) Clinical Laboratory, Nationwide Children's Hospital
Classification: Pathogenic for Vascular Malformations and Overgrowth. Last evaluated: 2020-11-08. Review status: no assertion criteria provided. Collection method: research. Allele origin: somatic. Affected: yes.
Comment: This alteration is both well-represented in cancer as identified in the COSMIC database with >=20 documented instances and also considered to occur in a statistically significant hotspot or region according to an online resource database [PS_CANCER], is supported by well-established models demonstrating downstream impact of the variant on RNA structure, gene expression, or protein function [PS3], is of apparent somatic mosaic etiology with moderate supporting evidence including no discernible strand bias, in a region absent of repetition and sequence homology, with clean, high-quality reads, having a variant allele fraction < 3% [PS2_Mod], and is a missense variant in a gene that has a low rate of benign missense variation and in which missense variants are a common mechanism of disease [PP2].

Literature cited by the submitters: PubMed 20713702 (cited by Center for Genomic Medicine, Rigshospitalet, Copenhagen University Hospital); PubMed 28528867 (cited by Center for Genomic Medicine, Rigshospitalet, Copenhagen University Hospital); PubMed 29533785 (cited by Center for Genomic Medicine, Rigshospitalet, Copenhagen University Hospital).